The following is an entry in ClinVar:

NM_014874.4(MFN2):c.175+219_175+220del

Gene: MFN2 (mitofusin 2; plus strand). Cytogenetic location: 1p36.22.
Variant type: Deletion.
Coding change: c.175+219_175+220del on transcript NM_014874.4 (MANE Select); bases 219 to 220 of the intron after coding-DNA position 175, 2 bases deleted (AT; older notation c.175+219_175+220delAT).
Molecular consequence: intron variant.
Genome position (GRCh38, 1-based): chr1:11,989,562-11,989,563, AT deleted. VCF-style (leftmost placement, unchanged base first): chr1-11989561-CAT-C. GRCh37 (hg19) VCF-style: chr1-12049618-CAT-C.
Other names: c.175+219_175+220del (NM_001127660.2); c.175+219_175+220delAT (NM_014874.3).
Identifiers: ClinVar variation 678311 (VCV000678311.1), dbSNP rs142734466, ClinGen allele CA18035872.
Genomic context (GRCh38, chr1:11,989,561, plus strand): 5'-GGGGAGATGAGGCCAGGAAGACAAGGGAACTGCCATTTAGTAATTACTTTAAGAAGTCCA[CAT>C]GTTTTGTTTCATTTAATCATGAAAGATAGGTGAATCTTATCCCCATCTACAAGGCAAGCA-3'

ClinVar aggregate classification (germline): Benign (1 of 4 stars; one submission).

Allele frequency attached by ClinVar (database versions not stated): gnomAD 0.02343 and 0.02485; TOPMed 0.02676; 1000 Genomes Project 30x 0.03107.

Submission:

GeneDx
Classification: Benign. Last evaluated: 2018-06-16. Review status: criteria provided, single submitter. Criteria: GeneDx Variant Classification (06012015). Collection method: clinical testing. Allele origin: germline. Affected: yes.
Comment: This variant is considered likely benign or benign based on one or more of the following criteria: it is a conservative change, it occurs at a poorly conserved position in the protein, it is predicted to be benign by multiple in silico algorithms, and/or has population frequency not consistent with disease.